The following continues an entry in ClinVar:

NM_000152.5(GAA):c.546G>A (p.Thr182=)

Gene: GAA. ClinVar aggregate classification (germline): Pathogenic. Pathogenic (1).

Submissions 9 to 16 of 20:

Blueprint Genetics
Classification: Pathogenic for GAA-related disorders. Last evaluated: 2024-02-26. Review status: criteria provided, single submitter. Criteria: ACMG Guidelines, 2015. Collection method: clinical testing. Allele origin: germline. Affected: yes. Observed: 3 variant alleles. Not counted in ClinVar's aggregate classification.

GeneDx
Classification: Pathogenic. Last evaluated: 2022-06-02. Review status: criteria provided, single submitter. Criteria: GeneDx Variant Classification Process June 2021. Collection method: clinical testing. Allele origin: germline. Affected: yes. Not counted in ClinVar's aggregate classification.
Comment: Published real-time RT-PCR studies showed that mRNA containing the c.546 G>A variant was reduced to 6.3% of normal mRNA levels, which likely corresponded to the greatly reduced enzyme activity in proband fibroblasts (Hermans et al., 2004); Not observed at significant frequency in large population cohorts (gnomAD); In silico analysis supports a deleterious effect on splicing; This variant is associated with the following publications: (PMID: 21179066, 25525159, 14695532, 31301153, 21484825, 30564623, 31980526, 25037089, 33202836)

Women's Health and Genetics/Laboratory Corporation of America, LabCorp
Classification: Pathogenic for Glycogen storage disease, type II. Last evaluated: 2022-03-02. Review status: criteria provided, single submitter. Criteria: LabCorp Variant Classification Summary - May 2015. Collection method: clinical testing. Allele origin: germline. Not counted in ClinVar's aggregate classification.
Comment: Variant summary: GAA c.546G>A (p.Thr182Thr) alters a non-conserved nucleotide located close to a canonical splice site and therefore could affect mRNA splicing, leading to a significantly altered protein sequence. Several computational tools predict a significant impact on normal splicing: Four predict the variant abolishes a canonical 5 prime splicing donor site. Four predict the variant creates a cryptic 3 prime acceptor site. Goina_2019 have demonstarted that c.546G>A, c.546G>C and c.546G>T leads to exon 2 skipping compared to wild type. This is consistent with c.546G appears to be a mutational hot-spot, as other alterations of this nucleotide, c.546G>T and c.546G>C, leading to the same synonymous change (p.Thr182=) are associated with glycogen storage disease in HGMD. The variant allele was found at a frequency of 3e-05 in 236410 control chromosomes (gnomAD). c.546G>A has been reported in the literature in individuals affected with Glycogen Storage Disease, Type 2 (Pompe Disease)(examples: Bali_2011, Hermans_2004 and Ficicioglu_2020). These data indicate that the variant is associated with disease. Eight clinical diagnostic laboratories have submitted clinical-significance assessments for this variant to ClinVar after 2014 and classified the variant as pathogenic (n=6) and likely pathogenic (n=2). Based on the evidence outlined above, the variant was classified as pathogenic.

Illumina Laboratory Services, Illumina
Classification: Pathogenic for Glycogen storage disease, type II. Last evaluated: 2022-01-13. Review status: criteria provided, single submitter. Criteria: ICSLVariantClassificationCriteria RUGD 01 April 2020. Collection method: clinical testing. Allele origin: unknown. Not counted in ClinVar's aggregate classification.
Comment: The GAA c.546G>A (p.Thr182=) synonymous variant occurs at the last nucleotide of exon 2, and results in substitution of guanine with adenine at position 546 and may result in splicing defects. This variant has been reported in five individuals with late-onset glycogen storage disease, type II, in a compound heterozygous state with a missense, splice site or frameshift variant (Hermans et al. 2004; Bali et al. 2011; Furusawa et al. 2012; Dasouki 2014; Nallamalli et al. 2018). Affected individuals show reduced alpha-glucosidase activity. The highest frequency of this allele in the Genome Aggregation Database is 0.000147 in the European (non-Finnish) population (version 3.1.2). Another nucleotide change at the same position, c.546G>T, is an established pathogenic variant. Based on the available evidence, c.546G>A (p.Thr182=) variant is classified as pathogenic for glycogen storage disease, type II.

Broad Center for Mendelian Genomics, Broad Institute of MIT and Harvard
Classification: Likely pathogenic for Glycogen storage disease, type II. Last evaluated: 2020-01-22. Review status: criteria provided, single submitter. Criteria: ACMG Guidelines, 2015. Collection method: curation. Allele origin: germline. Inheritance: Autosomal recessive inheritance. Not counted in ClinVar's aggregate classification.
Comment: This variant has been identified in 0.010% (2/19660) of East Asian chromosomes, 0.008503% (2/23522) of African chromosomes, and 0.003% (4/121752) of European (non-Finnish) chromosomes by the Genome Aggregation Database (gnomAD; dbSNP rs143523371). Although this variant has been seen in the general population, its frequency is low enough to be consistent with a recessive carrier frequency. This variant is located in the last three bases of the exon, which is part of the 5' splice region. Computational tools do suggest an impact to splicing. The Threonine (Thr) at position 182 is not well conserved in mammals or evolutionary distant species, raising the possibility that a change at this position may be tolerated. However, this information is not predictive enough to rule out pathogenicity. In vitro functional studies (e.g. RT-PCR) provide some evidence that the c.546G>A variant may significantly reduce GAA expression but may not cause abnormal splicing (PMID: 14695532). However, these types of assays may not accurately represent biological function. The presence of this variant in combination with 2 pathogenic variants and in individuals with Glycogen Storage Disease II increases the likelihood that the c.546G>C variant is pathogenic (PMID: 21484825, 25037089). The phenotype of at least two individuals heterozygous for this variant is highly specific for Glycogen Storage Disease II with reduced GAA activity detected in relevant tissue (PMID: 21484825, 25037089). Two additional variants at the same position, c.546G>T and c.546G>C, have been reported as a VUS or likely pathogenic in association with Glycogen Storage Disease II in ClinVar (Variation ID: 370637, 281056). In summary, although additional studies are required to fully establish its clinical significance, this variant is likely pathogenic. ACMG/AMP Criteria applied: PM2, PM3, PP3, PP4, PS3_Supporting (Richards 2015).

Eurofins Ntd Llc (ga)
Classification: Pathogenic. Last evaluated: 2017-11-22. Review status: criteria provided, single submitter. Criteria: EGL Classification Definitions 2015. Collection method: clinical testing. Allele origin: germline. Observed: 10 variant alleles, 10 heterozygotes. Not counted in ClinVar's aggregate classification.

Laboratory for Molecular Medicine, Mass General Brigham Personalized Medicine
Classification: Likely pathogenic for Glycogen storage disease. Last evaluated: 2017-05-15. Review status: criteria provided, single submitter. Criteria: ACMG Guidelines, 2015. Collection method: clinical testing. Allele origin: germline. Inheritance: Autosomal recessive inheritance. Not counted in ClinVar's aggregate classification.
Comment: The c.546G>A (p.Thr182Thr) variant in GAA has been reported in 1 compound heterozygous individual with late-onset glycogen storage disease type II. In vitro mRNA studies showed reduced enzyme activity compared to controls, and a different cDNA change at this position (c.546G>T; p.Thr182Thr) has been previously reported to alter splicing and enzyme activity in at least 3 individuals with glycogen storage disease type II (Hermans 2004, Maimaiti 2009, Shimada 2011). This variant has also been reported in ClinVar (280955). The c.546G>A (p.Thr182Thr) variant has been identified in 3/119890 European chromosomes by the genome Aggregation Database (gnomAD; dbSNP rs143523371). Although this variant has been seen in the general population, its frequency is low enough to be consistent with a recessive carrier frequency. This variant is located in the last three bases of the exon, which is part of the 5' splice region. Computational tools suggest an impact to splicing. However, this information is not predictive enough to determine pathogenicity. Loss of function of the GAA gene is an established disease mechanism in autosomal recessive glycogen storage disease, and the presence of this variant in combination with a reported pathogenic variant in an individual with glycogen storage disease type II increases the likelihood that this variant is pathogenic. In summary, although additional studies are required to fully establish its clinical significance, the c.546G>A (p.Thr182Thr) variant is likely pathogenic.

Knight Diagnostic Laboratories, Oregon Health and Sciences University
Classification: Pathogenic for Glycogen storage disease, type II. Last evaluated: 2016-03-30. Review status: criteria provided, single submitter. Criteria: ACMG Guidelines, 2015. Collection method: clinical testing. Allele origin: germline. Affected: no. Study: CSER-NextGen. Not counted in ClinVar's aggregate classification.
Comment: The c.546G>A (p.Thr182=) synonymous/splice variant in the GAA gene has been previously reported in in trans with another pathogenic variant (c.525delT) in one individual affected with a mild, late-onset form of GSDII (Hermans et al., 2004). This variant is located near the canonical splice donor-site in intron 2 (last coding nucleotide in exon 2) of the GAA gene. mRNA expression studies from the affected individualâ€™s fibroblasts showed that this variant reduced gene expression (6.3% relative to control) along with reduced alpha-glucosidase activity (3% relative to control); however, abnormally spliced transcripts were not observed (Hermans et al., 2004). Other single nucleotide variants at the same coding position (c.546) have been reported in affected individuals displaying a milder phenotype (Gort et al., 2007; Maimaiti et al., 2009; Kobayashi et al., 2010; Shimada et al., 2011). Furthermore, Tsuburaya RS et al., (2012), identified a c.546G>T variant in the homozygous state in two individuals with adult-onset Pompe disease and showed, by RNA splicing studies, that this variant resulted in exon 2 skipping and reduced enzymatic activity (7.5% and 12.3% respectively). The c.546G>A variant is reported at low frequency in the population databases (Exome Sequencing Project [ESP] = 0.024%; 1000 Genomes = 0.4%; ExAC = 0.036%). In silico splicing algorithms predict this variant will result in abnormal splicing (Human Splice Finder = Broken WT Donor Site, New ESS Site, ESE Site Broken). Therefore, this collective evidence supports the classification of the c.546G>A (p.Thr182=) as a Pathogenic variant for GSDII; however, variants at this nucleotide position have only been observed in individuals affected with a mild, late-onset form of GSDII.